The following is an entry in ClinVar:

ClinVar aggregate classification (germline): Uncertain significance (1 of 4 stars; one submission).

Conditions:
Ataxia-telangiectasia syndrome (AT). Also called: ATAXIA-TELANGIECTASIA, COMPLEMENTATION GROUP A; ATAXIA-TELANGIECTASIA, FRESNO VARIANT; Ataxia-telangiectasia, complementation group D; AT, COMPLEMENTATION GROUP C; Cerebello-oculocutaneous telangiectasia; Immunodeficiency with ataxia telangiectasia. Identifiers: Orphanet 100, MedGen C0004135, MONDO:0008840, OMIM 208900.

gnomAD v4.1: 3 of 1,612,812 alleles (0.00019%); highest among the groups gnomAD compares: Non-Finnish European, 0.00017%; no homozygotes.

Submission:

Labcorp Genetics (formerly Invitae), Labcorp
Classification: Uncertain significance for Ataxia-telangiectasia syndrome. Last evaluated: 2020-05-14. Review status: criteria provided, single submitter. Criteria: Invitae Variant Classification Sherloc (09022015). Collection method: clinical testing. Allele origin: germline.
Comment: This sequence change replaces glycine with arginine at codon 138 of the ATM protein (p.Gly138Arg). The glycine residue is highly conserved and there is a moderate physicochemical difference between glycine and arginine. This variant is not present in population databases (ExAC no frequency). This variant has not been reported in the literature in individuals with ATM-related conditions. Algorithms developed to predict the effect of missense changes on protein structure and function output the following: SIFT: "Deleterious"; PolyPhen-2: "Possibly Damaging"; Align-GVGD: "Class C65". The arginine amino acid residue is found in multiple mammalian species, suggesting that this missense change does not adversely affect protein function. These predictions have not been confirmed by published functional studies and their clinical significance is uncertain. In summary, the available evidence is currently insufficient to determine the role of this variant in disease. Therefore, it has been classified as a Variant of Uncertain Significance.

NM_000051.4(ATM):c.412G>C (p.Gly138Arg)

Gene: ATM (ATM serine/threonine kinase; plus strand). Cytogenetic location: 11q22.3.
Variant type: single nucleotide variant.
Coding change: c.412G>C on transcript NM_000051.4 (MANE Select); coding-DNA position 412, G replaced by C.
Protein change: p.Gly138Arg; replaces glycine 138 with arginine.
Molecular consequence: missense variant.
Genome position (GRCh38, 1-based): chr11:108,235,750, G>C. VCF-style: chr11-108235750-G-C. GRCh37 (hg19) VCF-style: chr11-108106477-G-C.
Other names: c.412G>C, p.Gly138Arg (NM_001351834.2); short protein forms G138R.
Identifiers: ClinVar variation 1041179 (VCV001041179.8), dbSNP rs150661813, ClinGen allele CA382525060.